The following is an entry in ClinVar:

ClinVar aggregate classification (germline): Benign. Review status: criteria provided, single submitter (1 of 4 stars). 2 submissions from 2 submitters: Benign (1). 1 of the submissions does not count toward it. Last evaluated 2022-11-11.

Conditions:
KMT2D-related disorder. Also called: KMT2D-Related Disorders.
Kabuki syndrome. Also called: NIIKAWA-KUROKI SYNDROME; Kabuki make-up syndrome. Identifiers: Orphanet 2322, MedGen C0796004, MONDO:0016512.

Allele frequency attached by ClinVar (database versions not stated): gnomAD exomes below 0.00001; TOPMed below 0.00001; gnomAD 0.00001.
gnomAD v4.1: 6 of 1,611,424 alleles (0.00037%); highest among the groups gnomAD compares: African/African-American, 0.0013%; no homozygotes.

Submissions (2):

Labcorp Genetics (formerly Invitae), Labcorp
Classification: Benign for Kabuki syndrome. Last evaluated: 2022-11-11. Review status: criteria provided, single submitter. Criteria: Invitae Variant Classification Sherloc (09022015). Collection method: clinical testing. Allele origin: germline.

PreventionGenetics, part of Exact Sciences
Classification: Uncertain significance for KMT2D-related condition. Last evaluated: 2023-12-19. Review status: no assertion criteria provided. Collection method: clinical testing. Allele origin: germline. Not counted in ClinVar's aggregate classification.
Comment: The KMT2D c.4664C>T variant is predicted to result in the amino acid substitution p.Ser1555Phe. This variant was reported in an individual with Kabuki syndrome though pathogenicity could not be established (Liu et al. 2015. PubMed ID: 25896430). This variant is reported in 0.00091% of alleles in individuals of European (Non-Finnish) descent in gnomAD. At this time, the clinical significance of this variant is uncertain due to the absence of conclusive functional and genetic evidence.

NM_003482.4(KMT2D):c.4664C>T (p.Ser1555Phe)

Gene: KMT2D (lysine methyltransferase 2D; minus strand). Cytogenetic location: 12q13.12.
Variant type: single nucleotide variant.
Coding change: c.4664C>T on transcript NM_003482.4 (MANE Select); coding-DNA position 4664, C replaced by T.
Protein change: p.Ser1555Phe; replaces serine 1555 with phenylalanine.
Molecular consequence: missense variant.
Genome position (GRCh38, 1-based): chr12:49,046,094, G>A on the plus strand (C>T on the coding strand, the complement: KMT2D is on the minus strand). VCF-style: chr12-49046094-G-A. GRCh37 (hg19) VCF-style: chr12-49439877-G-A.
Other names: short protein forms S1555F.
Identifiers: ClinVar variation 2137360 (VCV002137360.6), dbSNP rs1210295814, ClinGen allele CA384644263.
Genomic context (GRCh38, chr12:49,046,094, plus strand): 5'-CTCCTCCCCCTACCCAGCAGCTGGTACTCACCCACAGGCTTTACCACGTAGGGCTGGCAG[G>A]AGACACAGTCAAAGCCTTCATCGGCTGCCTGCTCCACATCGTCCTCTGTGAAGAGGCTCT-3'
Protein context (NP_003473.3, residues 1545-1565): QAADEGFDCV[Ser1555Phe]CQPYVVKPVA